The following is an entry in ClinVar:

NM_001365951.3(KIF1B):c.3849A>G (p.Thr1283=)

Gene: KIF1B (kinesin family member 1B; plus strand). Cytogenetic location: 1p36.22.
Variant type: single nucleotide variant.
Coding change: c.3849A>G on transcript NM_001365951.3 (MANE Select); coding-DNA position 3849, A replaced by G.
Protein change: p.Thr1283=; no amino-acid change (threonine 1283 retained).
Molecular consequence: synonymous variant.
Genome position (GRCh38, 1-based): chr1:10,347,812, A>G. VCF-style: chr1-10347812-A-G. GRCh37 (hg19) VCF-style: chr1-10407870-A-G.
Other names: c.3849A>G, p.Thr1283= (NM_001365952.1); c.3711A>G, p.Thr1237= (NM_015074.3).
Identifiers: ClinVar variation 877032 (VCV000877032.37), dbSNP rs746980680, ClinGen allele CA581896.
Genomic context (GRCh38, chr1:10,347,812, plus strand): 5'-ATTTTTTAGGTATATCCCAGCTGTGGTTGACCACACAGCAGGCTTGCCTTGCCAGGGGAC[A>G]TTTTTGCTTCATCAGGTACTAATGAGGGACCAAAACAGGCATCGGAGGGAACACTGAAAA-3'
Protein context (NP_001352880.1, residues 1273-1293): DHTAGLPCQG[Thr1283=]FLLHQGIQRR

ClinVar aggregate classification (germline): Conflicting classifications of pathogenicity. Review status: criteria provided, conflicting classifications (1 of 4 stars). 4 submissions from 4 submitters: Uncertain significance (1); Likely benign (3). Last evaluated 2025-11-09.

Conditions:
Neuroblastoma (NB). Identifiers: Orphanet 635, MedGen C0027819, MeSH D009447, MONDO:0005072, HP:0003006.
Charcot-Marie-Tooth disease type 2. Also called: Charcot-Marie-Tooth type 2. Identifiers: Orphanet 64746, MedGen C0270914, MONDO:0018993.

Allele frequency attached by ClinVar (database versions not stated): gnomAD 0.00001 and 0.00004; gnomAD exomes 0.00001; TOPMed 0.00001; ExAC 0.00002.
gnomAD v4.1: 15 of 1,613,226 alleles (0.00093%); highest among the groups gnomAD compares: South Asian, 0.0088%; no homozygotes.

Submissions (4):

Labcorp Genetics (formerly Invitae), Labcorp
Classification: Likely benign for Charcot-Marie-Tooth disease type 2. Last evaluated: 2025-11-09. Review status: criteria provided, single submitter. Criteria: Invitae Variant Classification Sherloc (09022015). Collection method: clinical testing. Allele origin: germline.

CeGaT Center for Human Genetics Tuebingen
Classification: Likely benign. Last evaluated: 2022-06-01. Review status: criteria provided, single submitter. Criteria: CeGaT Center For Human Genetics Tuebingen Variant Classification Criteria Version 2. Collection method: clinical testing. Allele origin: germline. Affected: yes. Observed: 1 variant allele.
Comment: KIF1B: BP4, BP7

Ambry Genetics
Classification: Likely benign. Last evaluated: 2020-10-09. Review status: criteria provided, single submitter. Criteria: Ambry Variant Classification Scheme 2023. Collection method: clinical testing. Allele origin: germline.

Illumina Laboratory Services, Illumina
Classification: Uncertain significance for Neuroblastoma. Last evaluated: 2018-01-13. Review status: criteria provided, single submitter. Criteria: ICSL Variant Classification Criteria 13 December 2019. Collection method: clinical testing. Allele origin: germline.